The following is an entry in ClinVar:

ClinVar aggregate classification (germline): Uncertain significance. Review status: criteria provided, multiple submitters, no conflicts (2 of 4 stars). 2 submissions from 2 submitters: Uncertain significance (2). Last evaluated 2025-12-09.

Conditions:
Cardiovascular phenotype. Identifiers: MedGen CN230736.
Hypertrophic cardiomyopathy 20. Identifiers: MedGen C3151267, MONDO:0013477, OMIM 613876.
Dilated cardiomyopathy 1CC (CMD1CC). Identifiers: Orphanet 154, MedGen C2751084, MONDO:0013147, OMIM 613122.

Allele frequency attached by ClinVar (database versions not stated): gnomAD exomes 0.00001 and 0.00002; ExAC 0.00002; gnomAD 0.00006; TOPMed 0.00017.
gnomAD v4.1: 18 of 1,613,626 alleles (0.0011%); highest among the groups gnomAD compares: Admixed American, 0.022%; no homozygotes.

Submissions (2):

Labcorp Genetics (formerly Invitae), Labcorp
Classification: Uncertain significance for Dilated cardiomyopathy 1CC; Hypertrophic cardiomyopathy 20. Last evaluated: 2025-12-09. Review status: criteria provided, single submitter. Criteria: Invitae Variant Classification Sherloc (09022015). Collection method: clinical testing. Allele origin: germline.
Comment: This sequence change replaces methionine, which is neutral and non-polar, with valine, which is neutral and non-polar, at codon 653 of the NEXN protein (p.Met653Val). This variant is present in population databases (rs765745920, gnomAD 0.01%). This variant has not been reported in the literature in individuals affected with NEXN-related conditions. ClinVar contains an entry for this variant (Variation ID: 1511601). Invitae Evidence Modeling of protein sequence and biophysical properties (such as structural, functional, and spatial information, amino acid conservation, physicochemical variation, residue mobility, and thermodynamic stability) has been performed for this missense variant. However, the output from this modeling did not meet the statistical confidence thresholds required to predict the impact of this variant on NEXN protein function. In summary, the available evidence is currently insufficient to determine the role of this variant in disease. Therefore, it has been classified as a Variant of Uncertain Significance.

Ambry Genetics
Classification: Uncertain significance for Cardiovascular phenotype. Last evaluated: 2024-10-02. Review status: criteria provided, single submitter. Criteria: Ambry Variant Classification Scheme 2023. Collection method: clinical testing. Allele origin: germline.
Comment: The p.M653V variant (also known as c.1957A>G), located in coding exon 12 of the NEXN gene, results from an A to G substitution at nucleotide position 1957. The methionine at codon 653 is replaced by valine, an amino acid with highly similar properties. This variant has been reported in an individual in a cardiomyopathy cohort, but clinical details were limited (Ware JS et al. J Am Coll Cardiol, 2018 May;71:2293-2302). This amino acid position is conserved. In addition, the in silico prediction for this alteration is inconclusive. Based on the available evidence, the clinical significance of this variant remains unclear.

Literature cited by the submitters: PubMed 29773157 (cited by Ambry Genetics).

NM_144573.4(NEXN):c.1957A>G (p.Met653Val)

Gene: NEXN (nexilin F-actin binding protein; plus strand). Cytogenetic location: 1p31.1.
Variant type: single nucleotide variant.
Coding change: c.1957A>G on transcript NM_144573.4 (MANE Select); coding-DNA position 1957, A replaced by G.
Protein change: p.Met653Val; replaces methionine 653 with valine.
Molecular consequence: missense variant.
Genome position (GRCh38, 1-based): chr1:77,942,758, A>G. VCF-style: chr1-77942758-A-G. GRCh37 (hg19) VCF-style: chr1-78408443-A-G.
Other names: c.1765A>G, p.Met589Val (NM_001172309.2); short protein forms M653V, M589V.
Identifiers: ClinVar variation 1511601 (VCV001511601.11), dbSNP rs765745920, ClinGen allele CA919011.